The following is an entry in ClinVar:

NM_000535.7(PMS2):c.2213T>A (p.Val738Asp)

Gene: PMS2 (PMS1 homolog 2, mismatch repair system component; minus strand). Cytogenetic location: 7p22.1.
Variant type: single nucleotide variant.
Coding change: c.2213T>A on transcript NM_000535.7 (MANE Select); coding-DNA position 2213, T replaced by A.
Protein change: p.Val738Asp; replaces valine 738 with aspartic acid.
Molecular consequence: missense variant. On other transcripts: non-coding transcript variant (1).
Genome position (GRCh38, 1-based): chr7:5,978,658, A>T on the plus strand (T>A on the coding strand, the complement: PMS2 is on the minus strand). VCF-style: chr7-5978658-A-T. GRCh37 (hg19) VCF-style: chr7-6018289-A-T.
Other names: c.1808T>A, p.Val603Asp (NM_001018040.1, NM_001322003.2, NM_001322004.2 and 15 more transcripts); c.2057T>A, p.Val686Asp (NM_001322006.2, NM_001406870.1); c.1895T>A, p.Val632Asp (NM_001322007.2, NM_001322008.2, NM_001406876.1 and 1 more transcripts); c.1652T>A, p.Val551Asp (NM_001322010.2, NM_001406906.1, NM_001406907.1); c.1280T>A, p.Val427Asp (NM_001322011.2, NM_001322012.2); c.1640T>A, p.Val547Asp (NM_001322013.2, NM_001406908.1, NM_001406909.1); c.2213T>A, p.Val738Asp (NM_001322014.2); c.1904T>A, p.Val635Asp (NM_001322015.2, NM_001406875.1, NM_001406877.1 and 5 more transcripts); and 14 more; short protein forms V567D, V616D, V626D, V738D, V746D, V337D, V576D, V580D.
Identifiers: ClinVar variation 1787805 (VCV001787805.2), dbSNP rs1583285889, ClinGen allele CA366736789.

ClinVar aggregate classification (germline): Uncertain significance (1 of 4 stars; one submission).

Conditions:
Hereditary cancer-predisposing syndrome. Also called: Neoplastic Syndromes, Hereditary; Tumor predisposition; Hereditary Cancer Syndrome; Hereditary neoplastic syndrome. Identifiers: Orphanet 140162, MedGen C0027672, MeSH D009386, MONDO:0015356.

Submission:

Ambry Genetics
Classification: Uncertain significance for Hereditary cancer-predisposing syndrome. Last evaluated: 2019-05-03. Review status: criteria provided, single submitter. Criteria: Ambry Variant Classification Scheme 2023. Collection method: clinical testing. Allele origin: germline.
Comment: The p.V738D variant (also known as c.2213T>A), located in coding exon 13 of the PMS2 gene, results from a T to A substitution at nucleotide position 2213. The valine at codon 738 is replaced by aspartic acid, an amino acid with highly dissimilar properties. This amino acid position is not well conserved in available vertebrate species. In addition, the in silico prediction for this alteration is inconclusive. Since supporting evidence is limited at this time, the clinical significance of this alteration remains unclear.